The following is an entry in ClinVar:

NM_003611.3(OFD1):c.2935A>G (p.Lys979Glu)

Gene: OFD1 (OFD1 centriole and centriolar satellite protein; plus strand). Cytogenetic location: Xp22.2.
Variant type: single nucleotide variant.
Coding change: c.2935A>G on transcript NM_003611.3 (MANE Select); coding-DNA position 2935, A replaced by G.
Protein change: p.Lys979Glu; replaces lysine 979 with glutamic acid.
Molecular consequence: missense variant.
Genome position (GRCh38, 1-based): chrX:13,768,724, A>G. VCF-style: chrX-13768724-A-G. GRCh37 (hg19) VCF-style: chrX-13786843-A-G.
Other names: c.2815A>G, p.Lys939Glu (NM_001330209.2); c.2515A>G, p.Lys839Glu (NM_001330210.2); short protein forms K939E, K839E, K979E.
Identifiers: ClinVar variation 3923901 (VCV003923901.1).
Genomic context (GRCh38, chrX:13,768,724, plus strand): 5'-ATGAAATTAATGCATATCTAATTTCAAAATTTTCCACCCTCTCCATGTAATCAGAGCTCA[A>G]AAAAGATGGTCCAAGAAGGCTCCCTAGTGGACACGCTGCAATCTAGTGACAAAGTCGAAA-3'
Protein context (NP_003602.1, residues 969-989): QDQESADKSS[Lys979Glu]KMVQEGSLVD

ClinVar aggregate classification (germline): Uncertain significance (1 of 4 stars; one submission).

Conditions:
Primary ciliary dyskinesia. Also called: Ciliary dyskinesia. Identifiers: Orphanet 244, MedGen C0008780, MONDO:0016575, HP:0012265.

Submission:

Ambry Genetics
Classification: Uncertain significance for Primary ciliary dyskinesia. Last evaluated: 2025-03-23. Review status: criteria provided, single submitter. Criteria: Ambry Variant Classification Scheme 2023. Collection method: clinical testing. Allele origin: germline.
Comment: The p.K979E variant (also known as c.2935A>G), located in coding exon 22 of the OFD1 gene, results from an A to G substitution at nucleotide position 2935. The lysine at codon 979 is replaced by glutamic acid, an amino acid with similar properties. This amino acid position is conserved. In addition, the in silico prediction for this alteration is inconclusive. Based on the available evidence, the clinical significance of this variant remains unclear.